The following is an entry in ClinVar:

ClinVar aggregate classification (germline): Uncertain significance. Review status: criteria provided, multiple submitters, no conflicts (2 of 4 stars). 2 submissions from 2 submitters: Uncertain significance (2). Last evaluated 2024-08-05.

Conditions:
Familial thoracic aortic aneurysm and aortic dissection (TAAD). Also called: Thoracic aortic aneurysms and dissections. Identifiers: Orphanet 91387, MedGen C4707243, MONDO:0019625.
Ehlers-Danlos syndrome, kyphoscoliotic type 1 (EDSKSCL1). Also called: EHLERS-DANLOS SYNDROME, OCULAR-SCOLIOTIC TYPE; PLOD1-Related Kyphoscoliotic Ehlers-Danlos Syndrome; Ehlers-Danlos syndrome, hydroxylysine-deficient; EHLERS-DANLOS SYNDROME, TYPE VIA. Identifiers: Orphanet 1900, MedGen C0268342, MONDO:0016002, OMIM 225400. Disease mechanism: loss of function.

Allele frequency attached by ClinVar (database versions not stated): gnomAD exomes below 0.00001; gnomAD 0.00001; TOPMed 0.00002.
gnomAD v4.1: 5 of 1,613,780 alleles (0.00031%); highest among the groups gnomAD compares: Admixed American, 0.0033%; no homozygotes.

Submissions (2):

Labcorp Genetics (formerly Invitae), Labcorp
Classification: Uncertain significance for Ehlers-Danlos syndrome, kyphoscoliotic type 1. Last evaluated: 2024-08-05. Review status: criteria provided, single submitter. Criteria: Invitae Variant Classification Sherloc (09022015). Collection method: clinical testing. Allele origin: germline.
Comment: This sequence change replaces alanine, which is neutral and non-polar, with serine, which is neutral and polar, at codon 405 of the PLOD1 protein (p.Ala405Ser). This variant is not present in population databases (gnomAD no frequency). This variant has not been reported in the literature in individuals affected with PLOD1-related conditions. ClinVar contains an entry for this variant (Variation ID: 2450246). Advanced modeling of protein sequence and biophysical properties (such as structural, functional, and spatial information, amino acid conservation, physicochemical variation, residue mobility, and thermodynamic stability) performed at Invitae indicates that this missense variant is not expected to disrupt PLOD1 protein function with a negative predictive value of 80%. In summary, the available evidence is currently insufficient to determine the role of this variant in disease. Therefore, it has been classified as a Variant of Uncertain Significance.

Ambry Genetics
Classification: Uncertain significance for Familial thoracic aortic aneurysm and aortic dissection. Last evaluated: 2022-12-01. Review status: criteria provided, single submitter. Criteria: Ambry Variant Classification Scheme 2023. Collection method: clinical testing. Allele origin: germline.
Comment: The p.A405S variant (also known as c.1213G>T), located in coding exon 12 of the PLOD1 gene, results from a G to T substitution at nucleotide position 1213. The alanine at codon 405 is replaced by serine, an amino acid with similar properties. This amino acid position is conserved. In addition, the in silico prediction for this alteration is inconclusive. Since supporting evidence is limited at this time, the clinical significance of this alteration remains unclear.

NM_000302.4(PLOD1):c.1213G>T (p.Ala405Ser)

Gene: PLOD1 (procollagen-lysine,2-oxoglutarate 5-dioxygenase 1; plus strand). Cytogenetic location: 1p36.22.
Variant type: single nucleotide variant.
Coding change: c.1213G>T on transcript NM_000302.4 (MANE Select); coding-DNA position 1213, G replaced by T.
Protein change: p.Ala405Ser; replaces alanine 405 with serine.
Molecular consequence: missense variant.
Genome position (GRCh38, 1-based): chr1:11,964,185, G>T. VCF-style: chr1-11964185-G-T. GRCh37 (hg19) VCF-style: chr1-12024242-G-T.
Other names: c.1354G>T, p.Ala452Ser (NM_001316320.2); short protein forms A405S, A452S.
Identifiers: ClinVar variation 2450246 (VCV002450246.3), dbSNP rs1645799206, ClinGen allele CA338440922.